The following is an entry in ClinVar:

NM_000038.6(APC):c.4441G>A (p.Val1481Ile)

Gene: APC (APC regulator of Wnt signaling pathway; plus strand). Cytogenetic location: 5q22.2.
Variant type: single nucleotide variant.
Coding change: c.4441G>A on transcript NM_000038.6 (MANE Select); coding-DNA position 4441, G replaced by A.
Protein change: p.Val1481Ile; replaces valine 1481 with isoleucine.
Molecular consequence: missense variant.
Genome position (GRCh38, 1-based): chr5:112,840,035, G>A. VCF-style: chr5-112840035-G-A. GRCh37 (hg19) VCF-style: chr5-112175732-G-A.
Other names: c.4441G>A, p.Val1481Ile (NM_001127510.3, NM_001354895.2); c.4387G>A, p.Val1463Ile (NM_001127511.3); c.4495G>A, p.Val1499Ile (NM_001354896.2); c.4471G>A, p.Val1491Ile (NM_001354897.2); c.4366G>A, p.Val1456Ile (NM_001354898.2); c.4357G>A, p.Val1453Ile (NM_001354899.2); c.4318G>A, p.Val1440Ile (NM_001354900.2); c.4264G>A, p.Val1422Ile (NM_001354901.2); and 5 more; short protein forms V1463I, V1481I, V1380I, V1390I, V1453I, V1456I, V1491I, V1321I.
Identifiers: ClinVar variation 142268 (VCV000142268.55), dbSNP rs587782349, ClinGen allele CA009548.

ClinVar aggregate classification (germline): Conflicting classifications of pathogenicity. Review status: criteria provided, conflicting classifications (1 of 4 stars). 3 submissions from 3 submitters: Uncertain significance (2); Likely benign (1). Last evaluated 2025-12-08.

Conditions:
Hereditary cancer-predisposing syndrome. Also called: Neoplastic Syndromes, Hereditary; Tumor predisposition; Hereditary Cancer Syndrome; Hereditary neoplastic syndrome. Identifiers: Orphanet 140162, MedGen C0027672, MeSH D009386, MONDO:0015356.
Familial adenomatous polyposis 1 (FAP1). Also called: FAMILIAL ADENOMATOUS POLYPOSIS 1, ATTENUATED; POLYPOSIS, ADENOMATOUS INTESTINAL. Identifiers: MedGen C2713442, MONDO:0021056, OMIM 175100. Disease mechanism: loss of function.

Allele frequency attached by ClinVar (database versions not stated): TOPMed 0.00001; ExAC 0.00002.
gnomAD v4.1: 8 of 1,614,108 alleles (0.0005%); highest among the groups gnomAD compares: South Asian, 0.0088%; no homozygotes.

Submissions (3):

Labcorp Genetics (formerly Invitae), Labcorp
Classification: Uncertain significance for Familial adenomatous polyposis 1. Last evaluated: 2025-12-08. Review status: criteria provided, single submitter. Criteria: Invitae Variant Classification Sherloc (09022015). Collection method: clinical testing. Allele origin: germline.
Comment: This sequence change replaces valine, which is neutral and non-polar, with isoleucine, which is neutral and non-polar, at codon 1481 of the APC protein (p.Val1481Ile). This variant is present in population databases (rs587782349, gnomAD 0.006%). This variant has not been reported in the literature in individuals affected with APC-related conditions. ClinVar contains an entry for this variant (Variation ID: 142268). Invitae Evidence Modeling of protein sequence and biophysical properties (such as structural, functional, and spatial information, amino acid conservation, physicochemical variation, residue mobility, and thermodynamic stability) indicates that this missense variant is not expected to disrupt APC protein function with a negative predictive value of 95%. In summary, the available evidence is currently insufficient to determine the role of this variant in disease. Therefore, it has been classified as a Variant of Uncertain Significance.

Ambry Genetics
Classification: Likely benign for Hereditary cancer-predisposing syndrome. Last evaluated: 2023-07-17. Review status: criteria provided, single submitter. Criteria: Ambry Variant Classification Scheme 2023. Collection method: clinical testing. Allele origin: germline.

Color Diagnostics, LLC DBA Color Health
Classification: Uncertain significance for Hereditary cancer-predisposing syndrome. Last evaluated: 2019-09-23. Review status: criteria provided, single submitter. Criteria: ACMG Guidelines, 2015. Collection method: clinical testing. Allele origin: germline.
Comment: This missense variant replaces valine with isoleucine at codon 1481 of the APC protein. Computational prediction tool suggests that this variant may not impact protein structure and function (internally defined REVEL score threshold <= 0.5, PMID: 27666373). Splice site prediction tools suggest that this variant may not impact RNA splicing. To our knowledge, functional studies have not been performed for this variant. This variant has not been reported in individuals affected with hereditary cancer in the literature. This variant has been identified in 2/250972 chromosomes in the general population by the Genome Aggregation Database (gnomAD). The available evidence is insufficient to determine the role of this variant in disease conclusively. Therefore, this variant is classified as a Variant of Uncertain Significance.